The following is an entry in ClinVar:

NM_001376.5(DYNC1H1):c.13422C>T (p.Thr4474=)

Gene: DYNC1H1 (dynein cytoplasmic 1 heavy chain 1; plus strand). Cytogenetic location: 14q32.31.
Variant type: single nucleotide variant.
Coding change: c.13422C>T on transcript NM_001376.5 (MANE Select); coding-DNA position 13422, C replaced by T.
Protein change: p.Thr4474=; no amino-acid change (threonine 4474 retained).
Molecular consequence: synonymous variant.
Genome position (GRCh38, 1-based): chr14:102,049,489, C>T. VCF-style: chr14-102049489-C-T. GRCh37 (hg19) VCF-style: chr14-102515826-C-T.
Other names: p.Thr4474=.
Identifiers: ClinVar variation 585808 (VCV000585808.25), dbSNP rs765088845, ClinGen allele CA7354244.
Genomic context (GRCh38, chr14:102,049,489, plus strand): 5'-CTTGGCTGCAGGGATCTTGCCTCGGAGCTGGTCCCACTACACGGTGCCTGCCGGCATGAC[C>T]GTCATCCAGTGGGTGTCCGACTTCAGCGAGAGGATCAAACAGCTGCAGAACATCTCACTG-3'
Protein context (NP_001367.2, residues 4464-4484): WSHYTVPAGM[Thr4474=]VIQWVSDFSE

ClinVar aggregate classification (germline): Likely benign. Review status: criteria provided, multiple submitters, no conflicts (2 of 4 stars). 4 submissions from 4 submitters: Likely benign (4). Last evaluated 2025-10-22.

Conditions:
Charcot-Marie-Tooth disease axonal type 2O. Also called: CHARCOT-MARIE-TOOTH NEUROPATHY, AXONAL, TYPE 2O; CHARCOT-MARIE-TOOTH DISEASE, AXONAL, AUTOSOMAL DOMINANT, TYPE 2O; Charcot-Marie-Tooth Neuropathy Type 2O; Charcot-Marie-Tooth disease, axonal, type 20. Identifiers: Orphanet 284232, MedGen C3280220, MONDO:0013644, OMIM 614228.

Allele frequency attached by ClinVar (database versions not stated): gnomAD 0.00001; TOPMed 0.00001.
gnomAD v4.1: 8 of 1,614,078 alleles (0.0005%); highest among the groups gnomAD compares: East Asian, 0.0022%; no homozygotes.

Submissions (4):

Labcorp Genetics (formerly Invitae), Labcorp
Classification: Likely benign for Charcot-Marie-Tooth disease axonal type 2O. Last evaluated: 2025-10-22. Review status: criteria provided, single submitter. Criteria: Invitae Variant Classification Sherloc (09022015). Collection method: clinical testing. Allele origin: germline.

CeGaT Center for Human Genetics Tuebingen
Classification: Likely benign. Last evaluated: 2025-01-01. Review status: criteria provided, single submitter. Criteria: CeGaT Center For Human Genetics Tuebingen Variant Classification Criteria Version 2. Collection method: clinical testing. Allele origin: germline. Affected: yes. Observed: 1 variant allele.
Comment: DYNC1H1: BP4, BP7

Mayo Clinic Laboratories, Mayo Clinic
Classification: Likely benign. Last evaluated: 2024-12-31. Review status: criteria provided, single submitter. Criteria: ACMG Guidelines, 2015. Collection method: clinical testing. Allele origin: germline. Observed: 1 variant allele.
Comment: BP4, BP7

Athena Diagnostics
Classification: Likely benign. Last evaluated: 2017-09-20. Review status: criteria provided, single submitter. Criteria: Athena Diagnostics Criteria. Collection method: clinical testing. Allele origin: germline.